The following is an entry in ClinVar:

ClinVar aggregate classification (germline): Uncertain significance (1 of 4 stars; one submission).

Submission:

GeneDx
Classification: Uncertain significance. Last evaluated: 2026-04-15. Review status: criteria provided, single submitter. Criteria: GeneDx Variant Classification Process June 2021. Collection method: clinical testing. Allele origin: germline.
Comment: Not observed at significant frequency in large population cohorts (gnomAD); In silico analysis supports that this missense variant has a deleterious effect on protein structure/function; Has not been previously published as pathogenic or benign to our knowledge

NM_001375524.1(TRRAP):c.11224C>T (p.Pro3742Ser)

Gene: TRRAP (transformation/transcription domain associated protein; plus strand). Cytogenetic location: 7q22.1.
Variant type: single nucleotide variant.
Coding change: c.11224C>T on transcript NM_001375524.1 (MANE Select); coding-DNA position 11224, C replaced by T.
Protein change: p.Pro3742Ser; replaces proline 3742 with serine.
Molecular consequence: missense variant.
Genome position (GRCh38, 1-based): chr7:99,011,422, C>T. VCF-style: chr7-99011422-C-T. GRCh37 (hg19) VCF-style: chr7-98609045-C-T.
Other names: c.11182C>T, p.Pro3728Ser (NM_001244580.2); c.11095C>T, p.Pro3699Ser (NM_003496.4); short protein forms P3699S, P3728S, P3742S.
Identifiers: ClinVar variation 5037259 (VCV005037259.1).
Genomic context (GRCh38, chr7:99,011,422, plus strand): 5'-GCCTACTTTCGATTTGACATAAACGACGCGACTGGAGACCTGGATGCCAACCGTCCTGTC[C>T]CATTTCGACTCACGCCCAACATTTCTGAGTTTCTGACCACCATCGGGGTCTCCGGCCCGT-3'
Protein context (NP_001362453.1, residues 3732-3752): TGDLDANRPV[Pro3742Ser]FRLTPNISEF